The following is an entry in ClinVar:

NM_000393.5(COL5A2):c.1456-20T>C

Gene: COL5A2 (collagen type V alpha 2 chain; minus strand). Cytogenetic location: 2q32.2.
Variant type: single nucleotide variant.
Coding change: c.1456-20T>C on transcript NM_000393.5 (MANE Select); 20 bases into the intron before coding-DNA position 1456, T replaced by C.
Molecular consequence: intron variant.
Genome position (GRCh38, 1-based): chr2:189,066,517, A>G on the plus strand (T>C on the coding strand, the complement: COL5A2 is on the minus strand). VCF-style: chr2-189066517-A-G. GRCh37 (hg19) VCF-style: chr2-189931243-A-G.
Other names: c.1456-20T>C (NM_000393.4).
Identifiers: ClinVar variation 213075 (VCV000213075.19), dbSNP rs150724439, ClinGen allele CA324156.
Genomic context (GRCh38, chr2:189,066,517, plus strand): 5'-TCACCGGGTGGGCCTATCGGACCCTGAATACCATGTGGCCCCTGTTAAAAACAGAAGGAC[A>G]GTTACCAGAAAGACCCATCCAACCAGTGAATTATAGTTGGAAGCCTAATTTAACGAAGTC-3'

ClinVar aggregate classification (germline): Benign/Likely benign. Review status: criteria provided, multiple submitters, no conflicts (2 of 4 stars). 6 submissions from 6 submitters: Benign (4); Likely benign (2). Last evaluated 2026-02-02.

Conditions:
Ehlers-Danlos syndrome, classic type, 2 (EDSCL2). Also called: Ehlers-Danlos syndrome, type 2; Ehlers-Danlos syndrome type 2 (formerly); Ehlers-Danlos Syndrome, Classic Type, COL5A2-Related. Identifiers: Orphanet 287, Orphanet 90318, MedGen C0268336, MONDO:0019568, OMIM 130010.
Ehlers-Danlos syndrome, classic type, 1 (EDSCL1). Also called: EHLERS-DANLOS SYNDROME, GRAVIS TYPE; EHLERS-DANLOS SYNDROME, SEVERE CLASSIC TYPE; Ehlers-Danlos syndrome, type 1; Ehlers-Danlos Syndrome, Classic Type, COL5A1-Related; EDS I. Identifiers: MedGen C0268335, MONDO:0019567, OMIM 130000.

Allele frequency attached by ClinVar (database versions not stated): gnomAD exomes 0.00034 and 0.00141; gnomAD 0.00046 and 0.00068; TOPMed 0.00073; ExAC 0.00150; 1000 Genomes Project 30x 0.00406; 1000 Genomes Project 0.00419.
gnomAD v4.1: 613 of 1,611,200 alleles (0.038%); highest among the groups gnomAD compares: East Asian, 1.2%; 1 homozygote.

Submissions (6):

Labcorp Genetics (formerly Invitae), Labcorp
Classification: Benign for Ehlers-Danlos syndrome, classic type, 1. Last evaluated: 2026-02-02. Review status: criteria provided, single submitter. Criteria: Invitae Variant Classification Sherloc (09022015). Collection method: clinical testing. Allele origin: germline.

Blueprint Genetics
Classification: Likely benign. Last evaluated: 2024-11-18. Review status: criteria provided, single submitter. Criteria: ACMG Guidelines, 2015. Collection method: clinical testing. Allele origin: germline.

Women's Health and Genetics/Laboratory Corporation of America, LabCorp
Classification: Benign. Last evaluated: 2023-04-10. Review status: criteria provided, single submitter. Criteria: LabCorp Variant Classification Summary - May 2015. Collection method: clinical testing. Allele origin: germline.

Fulgent Genetics
Classification: Likely benign for Ehlers-Danlos syndrome, classic type, 2. Last evaluated: 2022-03-22. Review status: criteria provided, single submitter. Criteria: ACMG Guidelines, 2015. Collection method: clinical testing. Allele origin: unknown.

ARUP Laboratories, Molecular Genetics and Genomics, ARUP Laboratories
Classification: Benign for Ehlers-Danlos syndrome, classic type, 2. Last evaluated: 2020-04-10. Review status: criteria provided, single submitter. Criteria: ARUP Molecular Germline Variant Investigation Process. Collection method: clinical testing. Allele origin: germline.

GeneDx
Classification: Benign. Last evaluated: 2015-05-05. Review status: criteria provided, single submitter. Criteria: GeneDx Variant Classification (06012015). Collection method: clinical testing. Allele origin: germline. Affected: yes.
Comment: This variant is considered likely benign or benign based on one or more of the following criteria: it is a conservative change, it occurs at a poorly conserved position in the protein, it is predicted to be benign by multiple in silico algorithms, and/or has population frequency not consistent with disease.